The following is an entry in ClinVar:

NM_030773.4(TUBB1):c.850C>T (p.Leu284Phe)

Gene: TUBB1 (tubulin beta 1 class VI; plus strand). Cytogenetic location: 20q13.32.
Variant type: single nucleotide variant.
Coding change: c.850C>T on transcript NM_030773.4 (MANE Select); coding-DNA position 850, C replaced by T.
Protein change: p.Leu284Phe; replaces leucine 284 with phenylalanine.
Molecular consequence: missense variant.
Genome position (GRCh38, 1-based): chr20:59,024,277, C>T. VCF-style: chr20-59024277-C-T. GRCh37 (hg19) VCF-style: chr20-57599332-C-T.
Other names: short protein forms L284F.
Identifiers: ClinVar variation 1328166 (VCV001328166.4), dbSNP rs2146377410, ClinGen allele CA409467791.

ClinVar aggregate classification (germline): Uncertain significance (1 of 4 stars; one submission).

Conditions:
Macrothrombocytopenia, isolated, 1, autosomal dominant (MACTHC1). Also called: Autosomal dominant macrothrombocytopenia TUBB1-related. Identifiers: Orphanet 140957, MedGen C5676892, MONDO:0800047, OMIM 613112.

Allele frequency attached by ClinVar (database versions not stated): gnomAD exomes below 0.00001.
gnomAD v4.1: 3 of 1,614,022 alleles (0.00019%); highest among the groups gnomAD compares: Non-Finnish European, 0.00025%; no homozygotes.

Submission:

Illumina Laboratory Services, Illumina
Classification: Uncertain significance for Macrothrombocytopenia, isolated, 1, autosomal dominant. Last evaluated: 2021-11-01. Review status: criteria provided, single submitter. Criteria: ICSLVariantClassificationCriteria RUGD 01 April 2020. Collection method: clinical testing. Allele origin: unknown.
Comment: The TUBB1 c.850C>T (p.Leu284Phe) variant is a missense variant. A literature search was performed for the gene, cDNA change, and amino acid change. No publications were found based on this search. This variant is not found in the Genome Aggregation Database (version 2.1.1 and version 3.1.2) in a region of good sequence coverage, so the variant is presumed to be rare. Multiple computational variant effect prediction algorithms suggest that this variant will have a deleterious impact. Based on the limited evidence, the p.Leu284Phe variant is classified as a variant of uncertain significance for TUBB1-related macrothrombocytopenia.